The following is an entry in ClinVar:

ClinVar aggregate classification (germline): Likely benign. Review status: criteria provided, multiple submitters, no conflicts (2 of 4 stars). 2 submissions from 2 submitters: Likely benign (2). Last evaluated 2024-11-11.

Conditions:
Left ventricular noncompaction 8 (LVNC8). Identifiers: Orphanet 154, Orphanet 54260, MedGen C3809288, MONDO:0014152, OMIM 615373.

Allele frequency attached by ClinVar (database versions not stated): gnomAD exomes below 0.00001; ExAC 0.00001; gnomAD 0.00003 and 0.00004; TOPMed 0.00003; ESP Exome Variant Server 0.00008.
gnomAD v4.1: 13 of 1,613,110 alleles (0.00081%); highest among the groups gnomAD compares: African/African-American, 0.013%; no homozygotes.

Submissions (2):

Labcorp Genetics (formerly Invitae), Labcorp
Classification: Likely benign for Left ventricular noncompaction 8. Last evaluated: 2024-11-11. Review status: criteria provided, single submitter. Criteria: Invitae Variant Classification Sherloc (09022015). Collection method: clinical testing. Allele origin: germline.

GeneDx
Classification: Likely benign. Last evaluated: 2018-05-15. Review status: criteria provided, single submitter. Criteria: GeneDx Variant Classification (06012015). Collection method: clinical testing. Allele origin: germline. Affected: yes.
Comment: This variant is considered likely benign or benign based on one or more of the following criteria: it is a conservative change, it occurs at a poorly conserved position in the protein, it is predicted to be benign by multiple in silico algorithms, and/or has population frequency not consistent with disease.

NM_022114.4(PRDM16):c.438+16C>G

Gene: PRDM16 (PR/SET domain 16; plus strand). Cytogenetic location: 1p36.32.
Variant type: single nucleotide variant.
Coding change: c.438+16C>G on transcript NM_022114.4 (MANE Select); 16 bases into the intron after coding-DNA position 438, C replaced by G.
Molecular consequence: intron variant.
Genome position (GRCh38, 1-based): chr1:3,244,153, C>G. VCF-style: chr1-3244153-C-G. GRCh37 (hg19) VCF-style: chr1-3160717-C-G.
Other names: c.438+16C>G (NM_199454.3).
Identifiers: ClinVar variation 668372 (VCV000668372.3), dbSNP rs375294823, ClinGen allele CA543794.